The following is an entry in ClinVar:

NM_001365902.3(NFIX):c.955+2T>C

Gene: NFIX (nuclear factor I X; plus strand). Cytogenetic location: 19p13.13.
Variant type: single nucleotide variant.
Coding change: c.955+2T>C on transcript NM_001365902.3 (MANE Select); the canonical splice donor site of the intron after coding-DNA position 955, T replaced by C.
Molecular consequence: splice donor variant.
Genome position (GRCh38, 1-based): chr19:13,075,673, T>C. VCF-style: chr19-13075673-T-C. GRCh37 (hg19) VCF-style: chr19-13186487-T-C.
Other names: c.955+2T>C (NM_002501.4, NM_001365982.2); c.931+2T>C (NM_001378404.1, NM_001271044.3); c.1003+2T>C (NM_001378405.1); c.814+2T>C (NM_001365983.2); c.979+2T>C (NM_001271043.2); c.952+2T>C (NM_001365984.2, NM_001365985.2).
Identifiers: ClinVar variation 581126 (VCV000581126.7), dbSNP rs1568318932, ClinGen allele CA404298417.

ClinVar aggregate classification (germline): Likely pathogenic (1 of 4 stars; one submission).

Conditions:
Marshall-Smith syndrome (MRSHSS). Identifiers: Orphanet 561, MedGen C0265211, MONDO:0011244, OMIM 602535.
Malan overgrowth syndrome (MALNS). Also called: Sotos syndrome 2; MALAN SYNDROME; NFIX-Related Malan Syndrome. Identifiers: Orphanet 420179, MedGen C3553660, MONDO:0013885, OMIM 614753.

Submission:

Labcorp Genetics (formerly Invitae), Labcorp
Classification: Likely pathogenic for Malan overgrowth syndrome; Marshall-Smith syndrome. Last evaluated: 2018-01-08. Review status: criteria provided, single submitter. Criteria: Invitae Variant Classification Sherloc (09022015). Collection method: clinical testing. Allele origin: germline.
Comment: In summary, the currently available evidence indicates that the variant is pathogenic, but additional data are needed to prove that conclusively. Therefore, this variant has been classified as Likely Pathogenic. Donor and acceptor splice site variants typically lead to a loss of protein function (PMID: 16199547), and loss-of-function variants in NFIX are known to be pathogenic (PMID: 20673863, 25118028). Algorithms developed to predict the effect of sequence changes on RNA splicing suggest that this variant may disrupt the consensus splice site, but this prediction has not been confirmed by published transcriptional studies. This variant has not been reported in the literature in individuals with NFIX-related disease. This variant is not present in population databases (ExAC no frequency). This sequence change affects donor splice site in intron 6 of the NFIX gene. It is expected to disrupt RNA splicing and likely results in an absent or disrupted protein product.

Literature cited by the submitters: PubMed 16199547; PubMed 20673863; PubMed 25118028.